The following is an entry in ClinVar:

NM_032776.3(JMJD1C):c.2941C>G (p.Leu981Val)

Gene: JMJD1C (jumonji domain containing 1C; minus strand). Cytogenetic location: 10q21.3.
Variant type: single nucleotide variant.
Coding change: c.2941C>G on transcript NM_032776.3 (MANE Select); coding-DNA position 2941, C replaced by G.
Protein change: p.Leu981Val; replaces leucine 981 with valine.
Molecular consequence: missense variant. On other transcripts: non-coding transcript variant (1).
Genome position (GRCh38, 1-based): chr10:63,208,728, G>C on the plus strand (C>G on the coding strand, the complement: JMJD1C is on the minus strand). VCF-style: chr10-63208728-G-C. GRCh37 (hg19) VCF-style: chr10-64968488-G-C.
Other names: c.2395C>G, p.Leu799Val (NM_001282948.2, NM_001318154.2); c.2077C>G, p.Leu693Val (NM_001318153.2); c.2827C>G, p.Leu943Val (NM_001322252.2); c.2284C>G, p.Leu762Val (NM_001322254.2, NM_001322258.2); short protein forms L693V, L799V, L943V, L981V, L762V.
Identifiers: ClinVar variation 1041132 (VCV001041132.8), dbSNP rs1296464432, ClinGen allele CA377043200.
Genomic context (GRCh38, chr10:63,208,728, plus strand): 5'-ATACTGGATCCACAAAATGCCTATGTAAGTGACAATCTTTTCCAGTCTGTGACCTATTTA[G>C]ATCCAGGTCATTTTTGGCTGATGTGGATGCAACAGACCGTAATGGTTCCATAAAAGCTTT-3'
Protein context (NP_116165.1, residues 971-991): ASTSAKNDLD[Leu981Val]NRSQTGKDCH

ClinVar aggregate classification (germline): Uncertain significance (1 of 4 stars; one submission).

Conditions:
Early Myoclonic Encephalopathy. Identifiers: MedGen C0270855.

Allele frequency attached by ClinVar (database versions not stated): TOPMed 0.00001; gnomAD 0.00002.
gnomAD v4.1: 3 of 1,613,322 alleles (0.00019%); highest among the groups gnomAD compares: African/African-American, 0.0027%; no homozygotes.

Submission:

Labcorp Genetics (formerly Invitae), Labcorp
Classification: Uncertain significance for Early Myoclonic Encephalopathy. Last evaluated: 2020-03-26. Review status: criteria provided, single submitter. Criteria: Invitae Variant Classification Sherloc (09022015). Collection method: clinical testing. Allele origin: germline.
Comment: In summary, the available evidence is currently insufficient to determine the role of this variant in disease. Therefore, it has been classified as a Variant of Uncertain Significance. Algorithms developed to predict the effect of sequence changes on RNA splicing suggest that this variant may create or strengthen a splice site, but this prediction has not been confirmed by published transcriptional studies. Algorithms developed to predict the effect of missense changes on protein structure and function (SIFT, PolyPhen-2, Align-GVGD) all suggest that this variant is likely to be tolerated, but these predictions have not been confirmed by published functional studies and their clinical significance is uncertain. This variant has not been reported in the literature in individuals with JMJD1C-related conditions. This variant is not present in population databases (ExAC no frequency). This sequence change replaces leucine with valine at codon 981 of the JMJD1C protein (p.Leu981Val). The leucine residue is moderately conserved and there is a small physicochemical difference between leucine and valine.